The following is an entry in ClinVar:

NM_001037333.3(CYFIP2):c.3298C>T (p.Arg1100Trp)

Genes: CYFIP2 (cytoplasmic FMR1 interacting protein 2; plus strand), NIPAL4-DT (NIPAL4 divergent transcript; minus strand). Cytogenetic location: 5q33.3.
Variant type: single nucleotide variant.
Coding change: c.3298C>T on transcript NM_001037333.3 (MANE Select); coding-DNA position 3298, C replaced by T.
Protein change: p.Arg1100Trp; replaces arginine 1100 with tryptophan.
Molecular consequence: missense variant.
Genome position (GRCh38, 1-based): chr5:157,389,279, C>T. VCF-style: chr5-157389279-C-T. GRCh37 (hg19) VCF-style: chr5-156816287-C-T.
Other names: c.3220C>T, p.Arg1074Trp (NM_001291721.2); c.3373C>T, p.Arg1125Trp (NM_001291722.2); c.3298C>T, p.Arg1100Trp (NM_014376.4); short protein forms R1074W, R1100W, R1125W.
Identifiers: ClinVar variation 2535328 (VCV002535328.4), dbSNP rs778648138, ClinGen allele CA3534328.

ClinVar aggregate classification (germline): Uncertain significance. Review status: criteria provided, multiple submitters, no conflicts (2 of 4 stars). 2 submissions from 2 submitters: Uncertain significance (2). Last evaluated 2024-10-31.

Conditions:
Inborn genetic diseases. Identifiers: MedGen C0950123, MeSH D030342.

Allele frequency attached by ClinVar (database versions not stated): TOPMed below 0.00001; ExAC 0.00001; gnomAD exomes 0.00001.
gnomAD v4.1: 7 of 1,614,068 alleles (0.00043%); highest among the groups gnomAD compares: Admixed American, 0.0017%; no homozygotes.

Submissions (2):

Labcorp Genetics (formerly Invitae), Labcorp
Classification: Uncertain significance. Last evaluated: 2024-10-31. Review status: criteria provided, single submitter. Criteria: Invitae Variant Classification Sherloc (09022015). Collection method: clinical testing. Allele origin: germline.
Comment: This sequence change replaces arginine, which is basic and polar, with tryptophan, which is neutral and slightly polar, at codon 1100 of the CYFIP2 protein (p.Arg1100Trp). This variant is present in population databases (rs778648138, gnomAD 0.004%). This variant has not been reported in the literature in individuals affected with CYFIP2-related conditions. ClinVar contains an entry for this variant (Variation ID: 2535328). Experimental studies and prediction algorithms are not available or were not evaluated, and the functional significance of this variant is currently unknown. In summary, the available evidence is currently insufficient to determine the role of this variant in disease. Therefore, it has been classified as a Variant of Uncertain Significance.

Ambry Genetics
Classification: Uncertain significance for Inborn genetic diseases. Last evaluated: 2023-04-07. Review status: criteria provided, single submitter. Criteria: Ambry Variant Classification Scheme 2023. Collection method: clinical testing. Allele origin: germline.